The following is an entry in ClinVar:

ClinVar aggregate classification (germline): Uncertain significance. Review status: criteria provided, multiple submitters, no conflicts (2 of 4 stars). 2 submissions from 2 submitters: Uncertain significance (2). Last evaluated 2025-08-26.

Allele frequency attached by ClinVar (database versions not stated): gnomAD 0.00003; ExAC 0.00007; gnomAD exomes 0.00008; 1000 Genomes Project 30x 0.00031.
gnomAD v4.1: 23 of 1,613,906 alleles (0.0014%); highest among the groups gnomAD compares: East Asian, 0.049%; no homozygotes.

Submissions (2):

Ambry Genetics
Classification: Uncertain significance. Last evaluated: 2025-08-26. Review status: criteria provided, single submitter. Criteria: Ambry Variant Classification Scheme 2023. Collection method: clinical testing. Allele origin: germline.

Labcorp Genetics (formerly Invitae), Labcorp
Classification: Uncertain significance. Last evaluated: 2023-10-03. Review status: criteria provided, single submitter. Criteria: Invitae Variant Classification Sherloc (09022015). Collection method: clinical testing. Allele origin: germline.
Comment: This sequence change replaces leucine, which is neutral and non-polar, with valine, which is neutral and non-polar, at codon 685 of the SUCO protein (p.Leu685Val). This variant is present in population databases (rs200500979, gnomAD 0.1%), and has an allele count higher than expected for a pathogenic variant. This variant has not been reported in the literature in individuals affected with SUCO-related conditions. ClinVar contains an entry for this variant (Variation ID: 1490076). Algorithms developed to predict the effect of missense changes on protein structure and function output the following: SIFT: "Not Available"; PolyPhen-2: "Benign"; Align-GVGD: "Not Available". The valine amino acid residue is found in multiple mammalian species, which suggests that this missense change does not adversely affect protein function. In summary, the available evidence is currently insufficient to determine the role of this variant in disease. Therefore, it has been classified as a Variant of Uncertain Significance.

NM_014283.5(SUCO):c.2053T>G (p.Leu685Val)

Gene: SUCO (SUN domain containing ossification factor; plus strand). Cytogenetic location: 1q24.3.
Variant type: single nucleotide variant.
Coding change: c.2053T>G on transcript NM_014283.5 (MANE Select); coding-DNA position 2053, T replaced by G.
Protein change: p.Leu685Val; replaces leucine 685 with valine.
Molecular consequence: missense variant. On other transcripts: intron variant (1).
Genome position (GRCh38, 1-based): chr1:172,589,154, T>G. VCF-style: chr1-172589154-T-G. GRCh37 (hg19) VCF-style: chr1-172558294-T-G.
Other names: c.2053T>G (NM_014283.3); c.364T>G, p.Leu122Val (NM_001282751.2); c.2506T>G, p.Leu836Val (NM_016227.4); c.1712+230T>G (NM_001282750.2); short protein forms L122V, L685V, L836V.
Identifiers: ClinVar variation 1490076 (VCV001490076.11), dbSNP rs200500979, ClinGen allele CA1247022.